The following is an entry in ClinVar:

NM_002579.3(PALM):c.138+3A>G

Gene: PALM (paralemmin; plus strand). Cytogenetic location: 19p13.3.
Variant type: single nucleotide variant.
Coding change: c.138+3A>G on transcript NM_002579.3 (MANE Select); 3 bases into the intron after coding-DNA position 138, A replaced by G.
Molecular consequence: intron variant.
Genome position (GRCh38, 1-based): chr19:727,091, A>G. VCF-style: chr19-727091-A-G. GRCh37 (hg19) VCF-style: chr19-727091-A-G.
Other names: c.138+3A>G (NM_001040134.2).
Identifiers: ClinVar variation 2991407 (VCV002991407.3), dbSNP rs2032691961, ClinGen allele CA2317282549.

ClinVar aggregate classification (germline): Uncertain significance (1 of 4 stars; one submission).

Allele frequency attached by ClinVar (database versions not stated): TOPMed 0.00001.

Submission:

Labcorp Genetics (formerly Invitae), Labcorp
Classification: Uncertain significance. Last evaluated: 2023-01-24. Review status: criteria provided, single submitter. Criteria: Invitae Variant Classification Sherloc (09022015). Collection method: clinical testing. Allele origin: germline.
Comment: In summary, the available evidence is currently insufficient to determine the role of this variant in disease. Therefore, it has been classified as a Variant of Uncertain Significance. Variants that disrupt the consensus splice site are a relatively common cause of aberrant splicing (PMID: 17576681, 9536098). Algorithms developed to predict the effect of sequence changes on RNA splicing suggest that this variant is not likely to affect RNA splicing. This variant has not been reported in the literature in individuals affected with PALM-related conditions. This variant is not present in population databases (gnomAD no frequency). This sequence change falls in intron 3 of the PALM gene. It does not directly change the encoded amino acid sequence of the PALM protein. It affects a nucleotide within the consensus splice site.

Literature cited by the submitters: PubMed 17576681; PubMed 9536098.